The following is an entry in ClinVar:

ClinVar aggregate classification (germline): Uncertain significance (1 of 4 stars; one submission).

Submission:

Labcorp Genetics (formerly Invitae), Labcorp
Classification: Uncertain significance. Last evaluated: 2022-07-05. Review status: criteria provided, single submitter. Criteria: Invitae Variant Classification Sherloc (09022015). Collection method: clinical testing. Allele origin: germline.
Comment: In summary, the available evidence is currently insufficient to determine the role of this variant in disease. Therefore, it has been classified as a Variant of Uncertain Significance. Algorithms developed to predict the effect of sequence changes on RNA splicing suggest that this variant may disrupt the consensus splice site. This variant has not been reported in the literature in individuals affected with MPDZ-related conditions. This variant is not present in population databases (gnomAD no frequency). This sequence change falls in intron 15 of the MPDZ gene. It does not directly change the encoded amino acid sequence of the MPDZ protein.

NM_001378778.1(MPDZ):c.1969-15_1969-12del

Gene: MPDZ (multiple PDZ domain crumbs cell polarity complex component; minus strand). Cytogenetic location: 9p23.
Variant type: Deletion.
Coding change: c.1969-15_1969-12del on transcript NM_001378778.1 (MANE Select); 15 bases into the intron before coding-DNA position 1969 through 12 bases into the intron before coding-DNA position 1969, 4 bases deleted (TCTG; older notation c.1969-15_1969-12delTCTG).
Molecular consequence: intron variant.
Genome position (GRCh38, 1-based): chr9:13,190,311-13,190,314, CAGA deleted on the plus strand (TCTG on the coding strand, the reverse complement: MPDZ is on the minus strand); deleting any 4 consecutive bases within chr9:13,190,311-13,190,317 gives the same sequence; the c. name uses the placement nearest the transcript's 3' end. VCF-style (leftmost placement, unchanged base first): chr9-13190310-TCAGA-T. GRCh37 (hg19) VCF-style: chr9-13190309-TCAGA-T.
Other names: c.1969-15_1969-12del (NM_001375425.1, NM_001375420.1, NM_001375419.1 and 14 more transcripts).
Identifiers: ClinVar variation 1973444 (VCV001973444.5), dbSNP rs2494206328, ClinGen allele CA2580079333.